The following is an entry in ClinVar:

NM_006383.4(CIB2):c.-20GCGGCGGC[3]

Genes: CIB2 (calcium and integrin binding family member 2; minus strand), LOC130057683 (ATAC-STARR-seq lymphoblastoid silent region 6705; plus strand). Cytogenetic location: 15q25.1.
Variant type: Microsatellite.
Coding change: c.-20GCGGCGGC[3] on transcript NM_006383.4 (MANE Select); three copies in a row of the 8-base unit GCGGCGGC starting at c.-20; the reference has two copies in a row; one copy, 8 bases duplicated.
Molecular consequence: 5 prime UTR variant. On other transcripts: non-coding transcript variant (1).
Genome position (GRCh38, 1-based): chr15:78,131,220-78,131,227, GCCGCCGC duplicated on the plus strand (GCGGCGGC on the coding strand, the reverse complement: CIB2 is on the minus strand); duplicating any 8 consecutive bases within chr15:78,131,220-78,131,235 gives the same sequence; the position shown is the placement nearest the transcript's 3' end. VCF-style (leftmost placement, unchanged base first): chr15-78131219-G-GGCCGCCGC. GRCh37 (hg19) VCF-style: chr15-78423561-G-GGCCGCCGC.
Other names: c.-114GCGGCGGC[3] (NM_001271888.2); c.-20GCGGCGGC[3] (NM_001271889.2, NM_001301224.2).
Identifiers: ClinVar variation 3906592 (VCV003906592.1).
Genomic context (GRCh38, chr15:78,131,219, plus strand): 5'-GCTCACCTGGTAGTTGTCTAGCTGCTCTTCGGTGAAGATGGTCTGCTTGTTCCCCATGGT[G>GGCCGCCGC]GCCGCCGCGCCGCCGCTCGCCCGCCCGGGCTCCGACTCCCATCAGCGGCCGCCAGACCCG-3'

ClinVar aggregate classification (germline): Uncertain significance (1 of 4 stars; one submission).

Submission:

GeneDx
Classification: Uncertain significance. Last evaluated: 2024-12-18. Review status: criteria provided, single submitter. Criteria: GeneDx Variant Classification Process June 2021. Collection method: clinical testing. Allele origin: germline. Affected: yes.
Comment: Not observed at significant frequency in large population cohorts (gnomAD); Located in a region that tolerates variation and lacks pathogenic variants; Has not been previously published as pathogenic or benign to our knowledge; Located in a regulatory region; in the absence of functional studies, the actual effect of this sequence change is unknown